The following is an entry in ClinVar:

ClinVar aggregate classification (germline): Uncertain significance (1 of 4 stars; one submission).

Allele frequency attached by ClinVar (database versions not stated): gnomAD 0.00001.
gnomAD v4.1: 1 of 1,612,776 alleles (0.000062%); highest among the groups gnomAD compares: Admixed American, 0.0017%; no homozygotes.

Submission:

Labcorp Genetics (formerly Invitae), Labcorp
Classification: Uncertain significance. Last evaluated: 2023-04-01. Review status: criteria provided, single submitter. Criteria: Invitae Variant Classification Sherloc (09022015). Collection method: clinical testing. Allele origin: germline.
Comment: This variant is not present in population databases (gnomAD no frequency). This variant has not been reported in the literature in individuals affected with CACNA1G-related conditions. Advanced modeling of protein sequence and biophysical properties (such as structural, functional, and spatial information, amino acid conservation, physicochemical variation, residue mobility, and thermodynamic stability) performed at Invitae indicates that this missense variant is not expected to disrupt CACNA1G protein function. In summary, the available evidence is currently insufficient to determine the role of this variant in disease. Therefore, it has been classified as a Variant of Uncertain Significance. This sequence change replaces proline, which is neutral and non-polar, with alanine, which is neutral and non-polar, at codon 2031 of the CACNA1G protein (p.Pro2031Ala).

NM_018896.5(CACNA1G):c.6091C>G (p.Pro2031Ala)

Gene: CACNA1G (calcium voltage-gated channel subunit alpha1 G; plus strand). Cytogenetic location: 17q21.33.
Variant type: single nucleotide variant.
Coding change: c.6091C>G on transcript NM_018896.5 (MANE Select); coding-DNA position 6091, C replaced by G.
Protein change: p.Pro2031Ala; replaces proline 2031 with alanine.
Molecular consequence: missense variant. On other transcripts: non-coding transcript variant (5).
Genome position (GRCh38, 1-based): chr17:50,623,937, C>G. VCF-style: chr17-50623937-C-G. GRCh37 (hg19) VCF-style: chr17-48701298-C-G.
Other names: c.5902C>G, p.Pro1968Ala (NM_001256324.2); c.5833C>G, p.Pro1945Ala (NM_001256325.2); c.5821C>G, p.Pro1941Ala (NM_001256326.2); c.5791C>G, p.Pro1931Ala (NM_001256327.2); c.5737C>G, p.Pro1913Ala (NM_001256328.2); c.5710C>G, p.Pro1904Ala (NM_001256329.2, NM_198376.3, NM_198387.3); c.5677C>G, p.Pro1893Ala (NM_001256330.2); c.5656C>G, p.Pro1886Ala (NM_001256331.2); and 15 more; short protein forms P1893A, P1897A, P1900A, P1920A, P1941A, P1952A, P1881A, P1911A.
Identifiers: ClinVar variation 2849158 (VCV002849158.3), dbSNP rs2052946619, ClinGen allele CA400268894.